The following is an entry in ClinVar:

ClinVar aggregate classification (germline): Uncertain significance. Review status: criteria provided, multiple submitters, no conflicts (2 of 4 stars). 2 submissions from 2 submitters: Uncertain significance (2). Last evaluated 2024-08-04.

Conditions:
Progressive myoclonic epilepsy type 5. Identifiers: Orphanet 402082, MedGen C5190799.

Allele frequency attached by ClinVar (database versions not stated): gnomAD 0.00001; gnomAD exomes 0.00001; TOPMed 0.00001; ExAC 0.00005; ESP Exome Variant Server 0.00008.
gnomAD v4.1: 18 of 1,614,058 alleles (0.0011%); highest among the groups gnomAD compares: Middle Eastern, 0.016%; no homozygotes.

Submissions (2):

Labcorp Genetics (formerly Invitae), Labcorp
Classification: Uncertain significance for Progressive myoclonic epilepsy type 5. Last evaluated: 2024-08-04. Review status: criteria provided, single submitter. Criteria: Invitae Variant Classification Sherloc (09022015). Collection method: clinical testing. Allele origin: germline.
Comment: This sequence change replaces histidine, which is basic and polar, with leucine, which is neutral and non-polar, at codon 636 of the PRICKLE2 protein (p.His636Leu). This variant is present in population databases (rs145422223, gnomAD 0.006%). This variant has not been reported in the literature in individuals affected with PRICKLE2-related conditions. Advanced modeling of protein sequence and biophysical properties (such as structural, functional, and spatial information, amino acid conservation, physicochemical variation, residue mobility, and thermodynamic stability) performed at Invitae indicates that this missense variant is not expected to disrupt PRICKLE2 protein function with a negative predictive value of 80%. In summary, the available evidence is currently insufficient to determine the role of this variant in disease. Therefore, it has been classified as a Variant of Uncertain Significance.

Ambry Genetics
Classification: Uncertain significance. Last evaluated: 2024-03-20. Review status: criteria provided, single submitter. Criteria: Ambry Variant Classification Scheme 2023. Collection method: clinical testing. Allele origin: germline.

NM_198859.4(PRICKLE2):c.1907A>T (p.His636Leu)

Genes: PRICKLE2 (prickle planar cell polarity protein 2; minus strand), PRICKLE2-AS1 (PRICKLE2 antisense RNA 1; plus strand). Cytogenetic location: 3p14.1.
Variant type: single nucleotide variant.
Coding change: c.1907A>T on transcript NM_198859.4 (MANE Select); coding-DNA position 1907, A replaced by T.
Protein change: p.His636Leu; replaces histidine 636 with leucine.
Molecular consequence: missense variant. On other transcripts: non-coding transcript variant (1).
Genome position (GRCh38, 1-based): chr3:64,099,679, T>A on the plus strand (A>T on the coding strand, the complement: PRICKLE2 is on the minus strand). VCF-style: chr3-64099679-T-A. GRCh37 (hg19) VCF-style: chr3-64085355-T-A.
Other names: c.1907A>T, p.His636Leu (NM_001370528.1); c.1907A>T (NM_198859.3); short protein forms H636L.
Identifiers: ClinVar variation 2909752 (VCV002909752.4), dbSNP rs145422223, ClinGen allele CA2479527.